The following is an entry in ClinVar:

ClinVar aggregate classification (germline): Pathogenic (1 of 4 stars; one submission).

Conditions:
Dilated cardiomyopathy 1O (CMD1O). Also called: CARDIOMYOPATHY, DILATED, WITH VENTRICULAR TACHYCARDIA. Identifiers: Orphanet 154, MedGen C1837839, MONDO:0012062, OMIM 608569.

Submission:

Labcorp Genetics (formerly Invitae), Labcorp
Classification: Pathogenic for Dilated cardiomyopathy 1O. Last evaluated: 2024-10-01. Review status: criteria provided, single submitter. Criteria: Invitae Variant Classification Sherloc (09022015). Collection method: clinical testing. Allele origin: germline.
Comment: This sequence change creates a premature translational stop signal (p.Arg864Aspfs*16) in the ABCC9 gene. It is expected to result in an absent or disrupted protein product. Loss-of-function variants in ABCC9 are known to be pathogenic (PMID: 31575858, 38217872). This variant is not present in population databases (gnomAD no frequency). This variant has not been reported in the literature in individuals affected with ABCC9-related conditions. ClinVar contains an entry for this variant (Variation ID: 2022414). For these reasons, this variant has been classified as Pathogenic.

Literature cited by the submitters: PubMed 31575858; PubMed 38217872.

NM_020297.4(ABCC9):c.2589_2590del (p.Arg864fs)

Gene: ABCC9 (ATP binding cassette subfamily C member 9; minus strand). Cytogenetic location: 12p12.1.
Variant type: Deletion.
Coding change: c.2589_2590del on transcript NM_020297.4 (MANE Select); coding-DNA positions 2589 to 2590, 2 bases deleted (AA; older notation c.2589_2590delAA).
Protein change: p.Arg864fs; shifts the reading frame from arginine 864.
Molecular consequence: frameshift variant.
Genome position (GRCh38, 1-based): chr12:21,852,421-21,852,422, TT deleted on the plus strand (AA on the coding strand, the reverse complement: ABCC9 is on the minus strand); deleting any 2 consecutive bases within chr12:21,852,421-21,852,424 gives the same sequence; the c. name uses the placement nearest the transcript's 3' end. VCF-style (leftmost placement, unchanged base first): chr12-21852420-CTT-C. GRCh37 (hg19) VCF-style: chr12-22005354-CTT-C.
Other names: c.2589_2590del, p.Arg864fs (NM_001377273.1, NM_005691.4); c.1722_1723del, p.Arg575fs (NM_001377274.1); short protein forms R575fs, R864fs.
Identifiers: ClinVar variation 2022414 (VCV002022414.4), dbSNP rs2541137167, ClinGen allele CA2580085303.
Genomic context (GRCh38, chr12:21,852,420, plus strand): 5'-ACTCTTACCCAGTCAGCATGCGTCAGATACTGTAATTTGTGAGTCACAAGAACGAGTGTC[CTT>C]TTGTCATCTTGCAGGAATTTCAAAATCCCCTCCTGCATTAAATGATCACTCAAGTGAATG-3'